The following is an entry in ClinVar:

NM_001142800.2(EYS):c.5071G>T (p.Glu1691Ter)

Gene: EYS (EGF-like photoreceptor maintenance factor; minus strand). Cytogenetic location: 6q12.
Variant type: single nucleotide variant.
Coding change: c.5071G>T on transcript NM_001142800.2 (MANE Select); coding-DNA position 5071, G replaced by T.
Protein change: p.Glu1691Ter; replaces glutamic acid 1691 with a stop codon.
Molecular consequence: nonsense.
Genome position (GRCh38, 1-based): chr6:64,590,796, C>A on the plus strand (G>T on the coding strand, the complement: EYS is on the minus strand). VCF-style: chr6-64590796-C-A. GRCh37 (hg19) VCF-style: chr6-65300689-C-A.
Other names: c.5071G>T, p.Glu1691Ter (NM_001292009.2); short protein forms E1691*.
Identifiers: ClinVar variation 2675302 (VCV002675302.2), dbSNP rs2533150983, ClinGen allele CA364781917.

ClinVar aggregate classification (germline): Pathogenic/Likely pathogenic. Review status: criteria provided, multiple submitters, no conflicts (2 of 4 stars). 2 submissions from 2 submitters: Pathogenic (1); Likely pathogenic (1). Last evaluated 2024-12-20.

Conditions:
Retinitis pigmentosa 25 (RP25). Identifiers: Orphanet 791, MedGen C1864446, MONDO:0011272, OMIM 602772.

Submissions (2):

Myriad Genetics, Inc.
Classification: Pathogenic for Retinitis pigmentosa 25. Last evaluated: 2024-12-20. Review status: criteria provided, single submitter. Criteria: Myriad Autosomal Dominant, Autosomal Recessive and X-Linked Classification Criteria (2023). Collection method: clinical testing. Allele origin: unknown.
Comment: NM_001142800.1(EYS):c.5071G>T(E1691*) is expected to be pathogenic in the context of retinitis pigmentosa, EYS-related. This variant is predicted to lead to an abnormal or absent protein product due to the creation of a premature termination codon in EYS, a gene where loss-of-function variants are known to be pathogenic. Please note: this variant was assessed in the context of healthy population screening.

Baylor Genetics
Classification: Likely pathogenic for Retinitis pigmentosa 25. Last evaluated: 2023-01-28. Review status: criteria provided, single submitter. Criteria: ACMG Guidelines, 2015. Collection method: clinical testing. Allele origin: unknown.